The following is an entry in ClinVar:

NM_000520.6(HEXA):c.836C>G (p.Ser279Cys)

Gene: HEXA (hexosaminidase subunit alpha; minus strand). Cytogenetic location: 15q23.
Variant type: single nucleotide variant.
Coding change: c.836C>G on transcript NM_000520.6 (MANE Select); coding-DNA position 836, C replaced by G.
Protein change: p.Ser279Cys; replaces serine 279 with cysteine.
Molecular consequence: missense variant. On other transcripts: non-coding transcript variant (1).
Genome position (GRCh38, 1-based): chr15:72,349,229, G>C on the plus strand (C>G on the coding strand, the complement: HEXA is on the minus strand). VCF-style: chr15-72349229-G-C. GRCh37 (hg19) VCF-style: chr15-72641570-G-C.
Other names: c.836C>G (NM_000520.4, NM_000520.5); c.869C>G, p.Ser290Cys (NM_001318825.2); short protein forms S279C, S290C.
Identifiers: ClinVar variation 811723 (VCV000811723.16), dbSNP rs148199798, ClinGen allele CA7644877.

ClinVar aggregate classification (germline): Uncertain significance. Review status: criteria provided, multiple submitters, no conflicts (2 of 4 stars). 7 submissions from 7 submitters: Uncertain significance (6). 1 of the submissions does not count toward it. Last evaluated 2024-09-09.

Conditions:
Tay-Sachs disease (TSD). Also called: HEXA DEFICIENCY; Hexosaminidase A Deficiency; HEXA Disorders; GM2 gangliosidosis, type 1; Hexosaminidase alpha-subunit deficiency (variant B); Sphingolipidosis, Tay-Sachs. Identifiers: Orphanet 845, MedGen C0039373, MONDO:0010100, OMIM 272800.
Inborn genetic diseases. Identifiers: MedGen C0950123, MeSH D030342.

Allele frequency attached by ClinVar (database versions not stated): ESP Exome Variant Server 0.00008; gnomAD 0.00010 and 0.00011; TOPMed 0.00010; gnomAD exomes 0.00012; ExAC 0.00015.
gnomAD v4.1: 220 of 1,614,004 alleles (0.014%); highest among the groups gnomAD compares: Non-Finnish European, 0.018%; no homozygotes.

Submissions (7):

Blueprint Genetics
Classification: Uncertain significance. Last evaluated: 2024-09-09. Review status: criteria provided, single submitter. Criteria: ACMG Guidelines, 2015. Collection method: clinical testing. Allele origin: germline.

Labcorp Genetics (formerly Invitae), Labcorp
Classification: Uncertain significance for Tay-Sachs disease. Last evaluated: 2024-01-29. Review status: criteria provided, single submitter. Criteria: Invitae Variant Classification Sherloc (09022015). Collection method: clinical testing. Allele origin: germline.
Comment: This sequence change replaces serine, which is neutral and polar, with cysteine, which is neutral and slightly polar, at codon 279 of the HEXA protein (p.Ser279Cys). This variant is present in population databases (rs148199798, gnomAD 0.02%). This variant has not been reported in the literature in individuals affected with HEXA-related conditions. ClinVar contains an entry for this variant (Variation ID: 811723). Advanced modeling of protein sequence and biophysical properties (such as structural, functional, and spatial information, amino acid conservation, physicochemical variation, residue mobility, and thermodynamic stability) performed at Invitae indicates that this missense variant is expected to disrupt HEXA protein function with a positive predictive value of 80%. This variant disrupts the p.Ser279 amino acid residue in HEXA. Other variant(s) that disrupt this residue have been determined to be pathogenic (PMID: 9401008). This suggests that this residue is clinically significant, and that variants that disrupt this residue are likely to be disease-causing. In summary, the available evidence is currently insufficient to determine the role of this variant in disease. Therefore, it has been classified as a Variant of Uncertain Significance.

Quest Diagnostics Nichols Institute San Juan Capistrano
Classification: Uncertain significance. Last evaluated: 2023-03-08. Review status: criteria provided, single submitter. Criteria: Quest Diagnostics criteria. Collection method: clinical testing. Allele origin: unknown.
Comment: The variant has not been reported in the published literature. The frequency of this variant in the general population, 0.00022 (29/128972 chromosomes), is uninformative in assessment of its pathogenicity. Analysis of this variant using bioinformatics tools for the prediction of the effect of amino acid changes on protein structure and function yielded predictions that this variant is damaging. A different variant at the same codon, c.835T>C (p.Ser279Pro), has been observed in an individual with late-infantile Tay-Sachs disease, and shown to cause reduced HEXA transcript levels and in vitro enzymatic activity (PMID: 9401008 (1997)). Based on the available information, we are unable to determine the clinical significance of the c.836C>G (p.Ser279Cys) variant.

Ambry Genetics
Classification: Uncertain significance for Inborn genetic diseases. Last evaluated: 2022-09-05. Review status: criteria provided, single submitter. Criteria: Ambry Variant Classification Scheme 2023. Collection method: clinical testing. Allele origin: germline.

Fulgent Genetics
Classification: Uncertain significance for Tay-Sachs disease. Last evaluated: 2021-09-24. Review status: criteria provided, single submitter. Criteria: ACMG Guidelines, 2015. Collection method: clinical testing. Allele origin: unknown.

ARUP Laboratories, Molecular Genetics and Genomics, ARUP Laboratories
Classification: Uncertain significance. Last evaluated: 2018-08-12. Review status: criteria provided, single submitter. Criteria: ARUP Molecular Germline Variant Investigation Process. Collection method: clinical testing. Allele origin: germline.
Comment: The HEXA c.836C>G; p.Ser279Cys variant (rs148199798), to our knowledge, is not reported in the medical literature or gene specific databases. This variant is found in the non-Finnish European population with an overall allele frequency of 0.02% (27/126496 alleles) in the Genome Aggregation Database. Additionally, another variant at this codon (c.835T>C, p.Ser279Pro) has been reported in a compound heterozygous state in at least one individual with Tay Sachs disease and functional studies of the variant protein show reduced transcript production and protein function (Drucker 1997). The serine at codon 279 is weakly conserved, but computational analyses (SIFT, PolyPhen-2) predict that the p.Ser279Cys variant is deleterious. Due to limited information, the clinical significance of the p.Ser279Cys variant is uncertain at this time. REFERENCES Drucker L et al. Two mutated HEXA alleles in a Druze patient with late-infantile Tay-Sachs disease. Hum Mutat. 1997;10(6):451-7. Pathogenic variants in HEXA are inherited in an autosomal recessive manner and are associated with Tay-Sachs disease and GM2-gangliosidosis (MIM: 272800).

Natera, Inc.
Classification: Uncertain significance for Tay-Sachs disease. Last evaluated: 2018-09-19. Review status: no assertion criteria provided. Collection method: clinical testing. Allele origin: germline. Not counted in ClinVar's aggregate classification.

Literature cited by the submitters: PubMed 9401008 (cited by Labcorp Genetics (formerly Invitae), Labcorp).